The following is an entry in ClinVar:

NM_001366110.1(PAX4):c.406G>A (p.Gly136Arg)

Gene: PAX4 (paired box 4; minus strand). Cytogenetic location: 7q32.1.
Variant type: single nucleotide variant.
Coding change: c.406G>A on transcript NM_001366110.1 (MANE Select); coding-DNA position 406, G replaced by A.
Protein change: p.Gly136Arg; replaces glycine 136 with arginine.
Molecular consequence: missense variant.
Genome position (GRCh38, 1-based): chr7:127,614,512, C>T on the plus strand (G>A on the coding strand, the complement: PAX4 is on the minus strand). VCF-style: chr7-127614512-C-T. GRCh37 (hg19) VCF-style: chr7-127254566-C-T.
Other names: c.406G>A, p.Gly136Arg (NM_001366111.1); short protein forms G136R.
Identifiers: ClinVar variation 3698940 (VCV003698940.2).

ClinVar aggregate classification (germline): Uncertain significance (1 of 4 stars; one submission).

Submission:

Labcorp Genetics (formerly Invitae), Labcorp
Classification: Uncertain significance. Last evaluated: 2025-01-06. Review status: criteria provided, single submitter. Criteria: Invitae Variant Classification Sherloc (09022015). Collection method: clinical testing. Allele origin: germline.
Comment: This sequence change replaces glycine, which is neutral and non-polar, with arginine, which is basic and polar, at codon 128 of the PAX4 protein (p.Gly128Arg). The frequency data for this variant in the population databases is considered unreliable, as metrics indicate poor data quality at this position in the gnomAD database. This variant has not been reported in the literature in individuals affected with PAX4-related conditions. An algorithm developed to predict the effect of missense changes on protein structure and function outputs the following: PolyPhen-2: "Benign". The arginine amino acid residue is found in multiple mammalian species, which suggests that this missense change does not adversely affect protein function. In summary, the available evidence is currently insufficient to determine the role of this variant in disease. Therefore, it has been classified as a Variant of Uncertain Significance.